The following is an entry in ClinVar:

ClinVar aggregate classification (germline): Uncertain significance (1 of 4 stars; one submission).

Conditions:
Osteogenesis imperfecta type I (OI1). Also called: Lobstein's Disease; Lobstein disease; Classic Non-deforming Osteogenesis Imperfecta with Blue Sclerae; OI, TYPE I; OSTEOGENESIS IMPERFECTA TARDA; OSTEOGENESIS IMPERFECTA WITH BLUE SCLERAE. Identifiers: Orphanet 216796, Orphanet 666, MedGen C0023931, MONDO:0008146, OMIM 166200. Disease mechanism: loss of function.

Submission:

Labcorp Genetics (formerly Invitae), Labcorp
Classification: Uncertain significance for Osteogenesis imperfecta type I. Last evaluated: 2024-06-28. Review status: criteria provided, single submitter. Criteria: Invitae Variant Classification Sherloc (09022015). Collection method: clinical testing. Allele origin: germline.
Comment: This variant, c.458_459insCGGACCCCCCGGACCCCCCGGACCCCC, results in the insertion of 9 amino acid(s) of the COL1A1 protein (p.Pro146_Gly154dup), but otherwise preserves the integrity of the reading frame. This variant is not present in population databases (gnomAD no frequency). This variant has not been reported in the literature in individuals affected with COL1A1-related conditions. Experimental studies and prediction algorithms are not available or were not evaluated, and the functional significance of this variant is currently unknown. In summary, the available evidence is currently insufficient to determine the role of this variant in disease. Therefore, it has been classified as a Variant of Uncertain Significance.

NM_000088.4(COL1A1):c.450CGGACCCCC[4] (p.Gly154_Leu155insProProGlyProProGlyProProGly)

Gene: COL1A1 (collagen type I alpha 1 chain; minus strand). Cytogenetic location: 17q21.33.
Variant type: Microsatellite.
Coding change: c.450CGGACCCCC[4] on transcript NM_000088.4 (MANE Select); four copies in a row of the 9-base unit CGGACCCCC starting at c.450.
Protein change: p.Gly154_Leu155insProProGlyProProGlyProProGly.
Genome position: GRCh38 VCF-style: chr17-50199238-A-AGGGGGTCCGGGGGGTCCGGGGGGTCCG. GRCh37 (hg19) VCF-style: chr17-48276599-A-AGGGGGTCCGGGGGGTCCGGGGGGTCCG.
Identifiers: ClinVar variation 3658164 (VCV003658164.2).